The following is an entry in ClinVar:

NM_001943.5(DSG2):c.180G>A (p.Glu60=)

Gene: DSG2 (desmoglein 2; plus strand). Cytogenetic location: 18q12.1.
Variant type: single nucleotide variant.
Coding change: c.180G>A on transcript NM_001943.5 (MANE Select); coding-DNA position 180, G replaced by A.
Protein change: p.Glu60=; no amino-acid change (glutamic acid 60 retained).
Molecular consequence: synonymous variant.
Genome position (GRCh38, 1-based): chr18:31,519,901, G>A. VCF-style: chr18-31519901-G-A. GRCh37 (hg19) VCF-style: chr18-29099864-G-A.
Identifiers: ClinVar variation 2862359 (VCV002862359.4), dbSNP rs2510910379, ClinGen allele CA503596831.

ClinVar aggregate classification (germline): Likely benign. Review status: criteria provided, multiple submitters, no conflicts (2 of 4 stars). 2 submissions from 2 submitters: Likely benign (2). Last evaluated 2024-07-29.

Conditions:
Arrhythmogenic right ventricular dysplasia 10. Also called: ARRHYTHMOGENIC RIGHT VENTRICULAR DYSPLASIA, FAMILIAL, 10; Arrhythmogenic Right Ventricular Dysplasia/Cardiomyopathy10; Arrhythmogenic right ventricular dysplasia/cardiomyopathy, type 10. Identifiers: MedGen C1857777, MONDO:0012434, OMIM 610193.
Arrhythmogenic right ventricular cardiomyopathy (ARVD). Also called: Arrhythmogenic right ventricular dysplasia; Cardiomyopathy, ARVC; Arrhythmogenic cardiomyopathy; Arrhythmogenic Right Ventricular Cardiomyopathy (ARVC). Identifiers: Orphanet 247, MedGen C0349788, MeSH D019571, MONDO:0016587. Disease mechanism: loss of function. Inheritance: Various modes of inheritance.

Submissions (2):

All of Us Research Program, National Institutes of Health
Classification: Likely benign for Arrhythmogenic right ventricular cardiomyopathy. Last evaluated: 2024-07-29. Review status: criteria provided, single submitter. Criteria: ACMG Guidelines, 2015. Collection method: clinical testing. Allele origin: germline. Inheritance: Autosomal dominant inheritance. Observed: 2 variant alleles, 2 heterozygotes.
Comment: This study involves interpretation of variants in research participants for the purpose of population health screening. Participant phenotype was not available at the time of variant classification. Additional details can be found in publication PMID: 35346344, PMCID: PMC8962531

Labcorp Genetics (formerly Invitae), Labcorp
Classification: Likely benign for Arrhythmogenic right ventricular dysplasia 10. Last evaluated: 2022-11-30. Review status: criteria provided, single submitter. Criteria: Invitae Variant Classification Sherloc (09022015). Collection method: clinical testing. Allele origin: germline.